The following is an entry in ClinVar:

NM_000383.4(AIRE):c.443C>T (p.Pro148Leu)

Gene: AIRE (autoimmune regulator; plus strand). Cytogenetic location: 21q22.3.
Variant type: single nucleotide variant.
Coding change: c.443C>T on transcript NM_000383.4 (MANE Select); coding-DNA position 443, C replaced by T.
Protein change: p.Pro148Leu; replaces proline 148 with leucine.
Molecular consequence: missense variant.
Genome position (GRCh38, 1-based): chr21:44,287,113, C>T. VCF-style: chr21-44287113-C-T. GRCh37 (hg19) VCF-style: chr21-45706996-C-T.
Other names: short protein forms P148L.
Identifiers: ClinVar variation 1896495 (VCV001896495.6), dbSNP rs2517877040, ClinGen allele CA410423843.
Genomic context (GRCh38, chr21:44,287,113, plus strand): 5'-TCCCCACCAAGAGGAAGGCCTCAGAAGAGGCTCGAGCTGCCGCGCCAGCAGCCCTGACTC[C>T]AAGGGGCACCGCCAGCCCAGGTACCCTCCCTGCAGGGGAAGCCAGCCAGGGTCTCCAGTC-3'
Protein context (NP_000374.1, residues 138-158): ARAAAPAALT[Pro148Leu]RGTASPGSQL

ClinVar aggregate classification (germline): Uncertain significance. Review status: criteria provided, multiple submitters, no conflicts (2 of 4 stars). 2 submissions from 2 submitters: Uncertain significance (2). Last evaluated 2025-06-29.

Conditions:
Inborn genetic diseases. Identifiers: MedGen C0950123, MeSH D030342.
Polyglandular autoimmune syndrome, type 1 (APS1). Also called: Whitaker syndrome; AUTOIMMUNE POLYENDOCRINE SYNDROME, TYPE I, WITH OR WITHOUT REVERSIBLE METAPHYSEAL DYSPLASIA; APS I; PGA I; Autoimmune polyendocrinopathy syndrome , type I, with or without reversible metaphyseal dysplasia; Autoimmune polyendocrine syndrome type 1. Identifiers: Orphanet 3453, MedGen C0085859, MONDO:0009411, OMIM 240300.

Submissions (2):

Ambry Genetics
Classification: Uncertain significance for Inborn genetic diseases. Last evaluated: 2025-06-29. Review status: criteria provided, single submitter. Criteria: Ambry Variant Classification Scheme 2023. Collection method: clinical testing. Allele origin: germline.

Labcorp Genetics (formerly Invitae), Labcorp
Classification: Uncertain significance for Polyglandular autoimmune syndrome, type 1. Last evaluated: 2023-07-17. Review status: criteria provided, single submitter. Criteria: Invitae Variant Classification Sherloc (09022015). Collection method: clinical testing. Allele origin: germline.
Comment: In summary, the available evidence is currently insufficient to determine the role of this variant in disease. Therefore, it has been classified as a Variant of Uncertain Significance. Advanced modeling of protein sequence and biophysical properties (such as structural, functional, and spatial information, amino acid conservation, physicochemical variation, residue mobility, and thermodynamic stability) has been performed at Invitae for this missense variant, however the output from this modeling did not meet the statistical confidence thresholds required to predict the impact of this variant on AIRE protein function. ClinVar contains an entry for this variant (Variation ID: 1896495). This variant has not been reported in the literature in individuals affected with AIRE-related conditions. This variant is not present in population databases (gnomAD no frequency). This sequence change replaces proline, which is neutral and non-polar, with leucine, which is neutral and non-polar, at codon 148 of the AIRE protein (p.Pro148Leu).